The following is an entry in ClinVar:

NM_030665.4(RAI1):c.5311A>T (p.Thr1771Ser)

Gene: RAI1 (retinoic acid induced 1; plus strand). Cytogenetic location: 17p11.2.
Variant type: single nucleotide variant.
Coding change: c.5311A>T on transcript NM_030665.4 (MANE Select); coding-DNA position 5311, A replaced by T.
Protein change: p.Thr1771Ser; replaces threonine 1771 with serine.
Molecular consequence: missense variant.
Genome position (GRCh38, 1-based): chr17:17,798,259, A>T. VCF-style: chr17-17798259-A-T. GRCh37 (hg19) VCF-style: chr17-17701573-A-T.
Other names: short protein forms T1771S.
Identifiers: ClinVar variation 1493267 (VCV001493267.8), dbSNP rs1389019164, ClinGen allele CA398558903.
Genomic context (GRCh38, chr17:17,798,259, plus strand): 5'-GCCGGGAAGCCCCCCAGGCCTGACGGCCCAGCTGACCCGGCCAAGCAGGGCCCACTGCGC[A>T]CCAGTGCCCGGGGCCTGTCCCGGAGGCTGCAGAGCTGCTACTGCTGTGATGGCCGGGAGG-3'
Protein context (NP_109590.3, residues 1761-1781): ADPAKQGPLR[Thr1771Ser]SARGLSRRLQ

ClinVar aggregate classification (germline): Uncertain significance (1 of 4 stars; one submission).

Allele frequency attached by ClinVar (database versions not stated): gnomAD exomes below 0.00001.
gnomAD v4.1: 3 of 1,604,608 alleles (0.00019%); highest among the groups gnomAD compares: Non-Finnish European, 0.00026%; no homozygotes.

Submission:

Labcorp Genetics (formerly Invitae), Labcorp
Classification: Uncertain significance. Last evaluated: 2021-07-26. Review status: criteria provided, single submitter. Criteria: Invitae Variant Classification Sherloc (09022015). Collection method: clinical testing. Allele origin: germline.
Comment: This variant has not been reported in the literature in individuals affected with RAI1-related conditions. This variant is not present in population databases (ExAC no frequency). This sequence change replaces threonine with serine at codon 1771 of the RAI1 protein (p.Thr1771Ser). The threonine residue is highly conserved and there is a small physicochemical difference between threonine and serine. In summary, the available evidence is currently insufficient to determine the role of this variant in disease. Therefore, it has been classified as a Variant of Uncertain Significance. Algorithms developed to predict the effect of missense changes on protein structure and function output the following: SIFT: "Tolerated"; PolyPhen-2: "Benign"; Align-GVGD: "Class C0". The serine amino acid residue is found in multiple mammalian species, which suggests that this missense change does not adversely affect protein function.